The following is an entry in ClinVar:

NM_006514.4(SCN10A):c.1730T>A (p.Leu577His)

Gene: SCN10A (sodium voltage-gated channel alpha subunit 10; minus strand). Cytogenetic location: 3p22.2.
Variant type: single nucleotide variant.
Coding change: c.1730T>A on transcript NM_006514.4 (MANE Select); coding-DNA position 1730, T replaced by A.
Protein change: p.Leu577His; replaces leucine 577 with histidine.
Molecular consequence: missense variant. On other transcripts: intron variant (1).
Genome position (GRCh38, 1-based): chr3:38,752,244, A>T on the plus strand (T>A on the coding strand, the complement: SCN10A is on the minus strand). VCF-style: chr3-38752244-A-T. GRCh37 (hg19) VCF-style: chr3-38793735-A-T.
Other names: c.1730T>A, p.Leu577His (NM_001293306.2); c.1462-2060T>A (NM_001293307.2); short protein forms L577H.
Identifiers: ClinVar variation 407752 (VCV000407752.12), dbSNP rs1060501716, ClinGen allele CA16611281.

ClinVar aggregate classification (germline): Uncertain significance. Review status: criteria provided, multiple submitters, no conflicts (2 of 4 stars). 3 submissions from 3 submitters: Uncertain significance (3). Last evaluated 2026-04-10.

Conditions:
SCN10A-related disorder. Also called: SCN10A-related condition.
Cardiovascular phenotype. Identifiers: MedGen CN230736.
Brugada syndrome. Also called: Sudden unexpected nocturnal death syndrome; Sudden Unexplained Death Syndrome; Sudden Unexplained Nocturnal Death Syndrome (SUNDS); Sudden unexplained nocturnal death syndrome. Identifiers: Orphanet 130, MedGen C1142166, MONDO:0015263.

Allele frequency attached by ClinVar (database versions not stated): gnomAD 0.00001; gnomAD exomes 0.00001 and 0.00002.
gnomAD v4.1: 20 of 1,545,418 alleles (0.0013%); highest among the groups gnomAD compares: Non-Finnish European, 0.0015%; no homozygotes.

Submissions (3):

PreventionGenetics, part of Exact Sciences
Classification: Uncertain significance for SCN10A-related condition. Last evaluated: 2026-04-10. Review status: criteria provided, single submitter. Criteria: ACMG Guidelines, 2015. Collection method: clinical testing. Allele origin: germline.
Comment: The SCN10A c.1730T>A variant is predicted to result in the amino acid substitution p.Leu577His. To our knowledge, this variant has not been reported in the literature. This variant is reported in 0.0071% of alleles in individuals of African descent in gnomAD. At this time, the clinical significance of this variant is uncertain due to the absence of conclusive functional and genetic evidence.

Ambry Genetics
Classification: Uncertain significance for Cardiovascular phenotype. Last evaluated: 2025-04-28. Review status: criteria provided, single submitter. Criteria: Ambry Variant Classification Scheme 2023. Collection method: clinical testing. Allele origin: germline.
Comment: The p.L577H variant (also known as c.1730T>A), located in coding exon 11 of the SCN10A gene, results from a T to A substitution at nucleotide position 1730. The leucine at codon 577 is replaced by histidine, an amino acid with similar properties. This amino acid position is well conserved in available vertebrate species; however, histidine is the reference amino acid in other vertebrate species. In addition, the in silico prediction for this alteration is inconclusive. Since supporting evidence is limited at this time, the clinical significance of this alteration remains unclear.

Labcorp Genetics (formerly Invitae), Labcorp
Classification: Uncertain significance for Brugada syndrome. Last evaluated: 2025-02-12. Review status: criteria provided, single submitter. Criteria: Invitae Variant Classification Sherloc (09022015). Collection method: clinical testing. Allele origin: germline.
Comment: This sequence change replaces leucine, which is neutral and non-polar, with histidine, which is basic and polar, at codon 577 of the SCN10A protein (p.Leu577His). This variant is present in population databases (no rsID available, gnomAD 0.008%). This variant has not been reported in the literature in individuals affected with SCN10A-related conditions. ClinVar contains an entry for this variant (Variation ID: 407752). Invitae Evidence Modeling of protein sequence and biophysical properties (such as structural, functional, and spatial information, amino acid conservation, physicochemical variation, residue mobility, and thermodynamic stability) indicates that this missense variant is not expected to disrupt SCN10A protein function with a negative predictive value of 95%. In summary, the available evidence is currently insufficient to determine the role of this variant in disease. Therefore, it has been classified as a Variant of Uncertain Significance.